The following is an entry in ClinVar:

NM_001040616.3(LINS1):c.1425G>A (p.Gln475=)

Gene: LINS1 (lines homolog 1; minus strand). Cytogenetic location: 15q26.3.
Variant type: single nucleotide variant.
Coding change: c.1425G>A on transcript NM_001040616.3 (MANE Select); coding-DNA position 1425, G replaced by A.
Protein change: p.Gln475=; no amino-acid change (glutamine 475 retained).
Molecular consequence: synonymous variant. On other transcripts: non-coding transcript variant (3).
Genome position (GRCh38, 1-based): chr15:100,570,087, C>T on the plus strand (G>A on the coding strand, the complement: LINS1 is on the minus strand). VCF-style: chr15-100570087-C-T. GRCh37 (hg19) VCF-style: chr15-101110292-C-T.
Other names: c.678G>A, p.Gln226= (NM_001352507.2); c.1272G>A, p.Gln424= (NM_001352508.2).
Identifiers: ClinVar variation 3906004 (VCV003906004.10).

ClinVar aggregate classification (germline): Likely benign (1 of 4 stars; one submission).

gnomAD v4.1: 1 of 1,585,954 alleles (0.000063%); highest among the groups gnomAD compares: Non-Finnish European, 0.000085%; no homozygotes.

Submission:

CeGaT Center for Human Genetics Tuebingen
Classification: Likely benign. Last evaluated: 2025-06-01. Review status: criteria provided, single submitter. Criteria: CeGaT Center For Human Genetics Tuebingen Variant Classification Criteria Version 2. Collection method: clinical testing. Allele origin: germline. Affected: yes. Observed: 1 variant allele.
Comment: LINS1: BP4, BP7